The following is an entry in ClinVar:

NM_206933.4(USH2A):c.12923C>T (p.Pro4308Leu)

Gene: USH2A (usherin; minus strand). Cytogenetic location: 1q41.
Variant type: single nucleotide variant.
Coding change: c.12923C>T on transcript NM_206933.4 (MANE Select); coding-DNA position 12923, C replaced by T.
Protein change: p.Pro4308Leu; replaces proline 4308 with leucine.
Molecular consequence: missense variant.
Genome position (GRCh38, 1-based): chr1:215,674,988, G>A on the plus strand (C>T on the coding strand, the complement: USH2A is on the minus strand). VCF-style: chr1-215674988-G-A. GRCh37 (hg19) VCF-style: chr1-215848330-G-A.
Other names: short protein forms P4308L.
Identifiers: ClinVar variation 4527127 (VCV004527127.1).

ClinVar aggregate classification (germline): Uncertain significance (1 of 4 stars; one submission).

gnomAD v4.1: 3 of 1,614,174 alleles (0.00019%); highest among the groups gnomAD compares: African/African-American, 0.004%; no homozygotes.

Submission:

GeneDx
Classification: Uncertain significance. Last evaluated: 2025-04-22. Review status: criteria provided, single submitter. Criteria: GeneDx Variant Classification Process June 2021. Collection method: clinical testing. Allele origin: germline. Affected: yes.
Comment: In silico analysis supports that this missense variant has a deleterious effect on protein structure/function; Has not been previously published as pathogenic or benign to our knowledge